The following is an entry in ClinVar:

ClinVar aggregate classification (germline): Uncertain significance (1 of 4 stars; one submission).

gnomAD v4.1: 7 of 1,611,388 alleles (0.00043%); highest among the groups gnomAD compares: African/African-American, 0.008%; no homozygotes.

Submission:

Labcorp Genetics (formerly Invitae), Labcorp
Classification: Uncertain significance. Last evaluated: 2025-08-18. Review status: criteria provided, single submitter. Criteria: Invitae Variant Classification Sherloc (09022015). Collection method: clinical testing. Allele origin: germline.
Comment: This sequence change replaces glutamine, which is neutral and polar, with histidine, which is basic and polar, at codon 288 of the ITPR1 protein (p.Gln288His). The frequency data for this variant in the population databases is considered unreliable, as metrics indicate poor data quality at this position in the gnomAD database. This variant has not been reported in the literature in individuals affected with ITPR1-related conditions. ClinVar contains an entry for this variant (Variation ID: 3701090). Invitae Evidence Modeling of protein sequence and biophysical properties (such as structural, functional, and spatial information, amino acid conservation, physicochemical variation, residue mobility, and thermodynamic stability) indicates that this missense variant is not expected to disrupt ITPR1 protein function with a negative predictive value of 95%. In summary, the available evidence is currently insufficient to determine the role of this variant in disease. Therefore, it has been classified as a Variant of Uncertain Significance.

NM_001378452.1(ITPR1):c.864G>T (p.Gln288His)

Gene: ITPR1 (inositol 1,4,5-trisphosphate receptor type 1; plus strand). Cytogenetic location: 3p26.1.
Variant type: single nucleotide variant.
Coding change: c.864G>T on transcript NM_001378452.1 (MANE Select); coding-DNA position 864, G replaced by T.
Protein change: p.Gln288His; replaces glutamine 288 with histidine.
Molecular consequence: missense variant.
Genome position (GRCh38, 1-based): chr3:4,652,131, G>T. VCF-style: chr3-4652131-G-T. GRCh37 (hg19) VCF-style: chr3-4693815-G-T.
Other names: c.864G>T, p.Gln288His (NM_002222.7, NM_001099952.4, NM_001168272.2); short protein forms Q288H.
Identifiers: ClinVar variation 3701090 (VCV003701090.2).